The following is an entry in ClinVar:

NM_000368.5(TSC1):c.1264-1G>A

Gene: TSC1 (TSC complex subunit 1; minus strand). Cytogenetic location: 9q34.13.
Variant type: single nucleotide variant.
Coding change: c.1264-1G>A on transcript NM_000368.5 (MANE Select); the canonical splice acceptor site of the intron before coding-DNA position 1264, G replaced by A.
Molecular consequence: splice acceptor variant.
Genome position (GRCh38, 1-based): chr9:132,907,371, C>T on the plus strand (G>A on the coding strand, the complement: TSC1 is on the minus strand). VCF-style: chr9-132907371-C-T. GRCh37 (hg19) VCF-style: chr9-135782758-C-T.
Other names: c.898-1G>A (NM_001406620.1, NM_001406625.1, NM_001406621.1 and 2 more transcripts); c.901-1G>A (NM_001406618.1, NM_001406617.1, NM_001406619.1 and 5 more transcripts); c.1108-1G>A (NM_001406613.1, NM_001406612.1, NM_001406611.1); c.1111-1G>A (NM_001406610.1, NM_001162427.2); c.310-1G>A (NM_001406627.1, NM_001406628.1); c.211-1G>A (NM_001406629.1, NM_001406630.1); c.1261-1G>A (NM_001406603.1, NM_001406609.1, NM_001406597.1 and 6 more transcripts); c.1264-1G>A (NM_001406602.1, NM_001406606.1, NM_001406592.1 and 7 more transcripts); and 1 more.
Identifiers: ClinVar variation 448714 (VCV000448714.11), dbSNP rs1554816432, ClinGen allele CA375366235.

ClinVar aggregate classification (germline): Pathogenic/Likely pathogenic. Review status: criteria provided, multiple submitters, no conflicts (2 of 4 stars). 2 submissions from 2 submitters: Pathogenic (1); Likely pathogenic (1). Last evaluated 2021-08-30.

Conditions:
Tuberous sclerosis 1 (TSC1). Identifiers: Orphanet 805, MedGen C1854465, MONDO:0008612, OMIM 191100.

Submissions (5):

Labcorp Genetics (formerly Invitae), Labcorp
Classification: Likely pathogenic for Tuberous sclerosis 1. Last evaluated: 2021-08-30. Review status: criteria provided, single submitter. Criteria: Invitae Variant Classification Sherloc (09022015). Collection method: clinical testing. Allele origin: germline.
Comment: This sequence change affects an acceptor splice site in intron 12 of the TSC1 gene. It is expected to disrupt RNA splicing. Variants that disrupt the donor or acceptor splice site typically lead to a loss of protein function (PMID: 16199547), and loss-of-function variants in TSC1 are known to be pathogenic (PMID: 10227394, 17304050). This variant is not present in population databases (ExAC no frequency). This variant has not been reported in the literature in individuals affected with TSC1-related conditions. ClinVar contains an entry for this variant (Variation ID: 448714). Algorithms developed to predict the effect of sequence changes on RNA splicing suggest that this variant may disrupt the consensus splice site. In summary, the currently available evidence indicates that the variant is pathogenic, but additional data are needed to prove that conclusively. Therefore, this variant has been classified as Likely Pathogenic.

Athena Diagnostics
Classification: Pathogenic. Last evaluated: 2017-02-28. Review status: criteria provided, single submitter. Criteria: Athena Diagnostics Criteria. Collection method: clinical testing. Allele origin: germline.

Dr. Peter K. Rogan Lab, Western University
No classification provided (evidence only). Condition: Malignant tumor of urinary bladder. Review status: no classification provided. Collection method: in vitro. Allele origin: not applicable. Functional consequence: retained intron. Not counted in ClinVar's aggregate classification.

Dr. Peter K. Rogan Lab, Western University
No classification provided (evidence only). Condition: Malignant tumor of urinary bladder. Review status: no classification provided. Collection method: in vitro. Allele origin: not applicable. Functional consequence: retained intron. Not counted in ClinVar's aggregate classification.

MutSpliceDB: a database of splice sites variants effects on splicing, NIH
No classification provided (evidence only). Review status: no classification provided. Collection method: in vivo. Allele origin: not applicable. Functional consequence: retained intron. Not counted in ClinVar's aggregate classification.

Literature cited by the submitters: PubMed 16199547 (cited by Labcorp Genetics (formerly Invitae), Labcorp); PubMed 10227394 (cited by Labcorp Genetics (formerly Invitae), Labcorp); PubMed 17304050 (cited by Labcorp Genetics (formerly Invitae), Labcorp).